The following is an entry in ClinVar:

ClinVar aggregate classification (germline): Likely benign (1 of 4 stars; one submission).

Conditions:
Joubert syndrome 17 (JBTS17). Identifiers: Orphanet 475, MedGen C3553264, MONDO:0013824, OMIM 614615.

Allele frequency attached by ClinVar (database versions not stated): gnomAD exomes 0.00030; 1000 Genomes Project 30x 0.00390; gnomAD 0.00393 and 0.00418; 1000 Genomes Project 0.00399; TOPMed 0.00450.
gnomAD v4.1: 834 of 946,754 alleles (0.088%); highest among the groups gnomAD compares: African/African-American, 1.3%; 5 homozygotes.

Submission:

Illumina Laboratory Services, Illumina
Classification: Likely benign for Joubert syndrome 17. Last evaluated: 2018-01-12. Review status: criteria provided, single submitter. Criteria: ICSL Variant Classification Criteria 13 December 2019. Collection method: clinical testing. Allele origin: germline.
Comment: This variant was observed in the ICSL laboratory as part of a predisposition screen in an ostensibly healthy population. It had not been previously curated by ICSL or reported in the Human Gene Mutation Database (HGMD: prior to June 1st, 2018), and was therefore a candidate for classification through an automated scoring system. Utilizing variant allele frequency, disease prevalence and penetrance estimates, and inheritance mode, an automated score was calculated to assess if this variant is too frequent to cause the disease. Based on the score and internal cut-off values, a variant classified as likely benign is not then subjected to further curation. The score for this variant resulted in a classification of likely benign for this disease.

NM_001384732.1(CPLANE1):c.*807A>G

Gene: CPLANE1 (ciliogenesis and planar polarity effector complex subunit 1; minus strand). Cytogenetic location: 5p13.2.
Variant type: single nucleotide variant.
Coding change: c.*807A>G on transcript NM_001384732.1 (MANE Select); 807 bases downstream of the stop codon, A replaced by G.
Molecular consequence: 3 prime UTR variant.
Genome position (GRCh38, 1-based): chr5:37,106,795, T>C on the plus strand (A>G on the coding strand, the complement: CPLANE1 is on the minus strand). VCF-style: chr5-37106795-T-C. GRCh37 (hg19) VCF-style: chr5-37106897-T-C.
Other names: c.*807A>G (NM_023073.4).
Identifiers: ClinVar variation 353403 (VCV000353403.5), dbSNP rs78011227, ClinGen allele CA10624449.